The following is an entry in ClinVar:

ClinVar aggregate classification (germline): Benign (0 of 4 stars; one submission).

Conditions:
THBS2-related disorder. Also called: THBS2-related condition.

Allele frequency attached by ClinVar (database versions not stated): ESP Exome Variant Server 0.20529; TOPMed 0.21958; 1000 Genomes Project 30x 0.25094; 1000 Genomes Project 0.25359.
gnomAD v4.1: 324,654 of 1,612,740 alleles (20%); highest among the groups gnomAD compares: South Asian, 29%; 33,713 homozygotes.

Submission:

PreventionGenetics, part of Exact Sciences
Classification: Benign for THBS2-related condition. Last evaluated: 2019-10-17. Review status: no assertion criteria provided. Collection method: clinical testing. Allele origin: germline.
Comment: This variant is classified as benign based on ACMG/AMP sequence variant interpretation guidelines (Richards et al. 2015 PMID: 25741868, with internal and published modifications).

NM_003247.5(THBS2):c.1257C>G (p.Ser419=)

Genes: THBS2 (thrombospondin 2; minus strand), THBS2-AS1 (THBS2 antisense RNA 1; plus strand). Cytogenetic location: 6q27.
Variant type: single nucleotide variant.
Coding change: c.1257C>G on transcript NM_003247.5 (MANE Select); coding-DNA position 1257, C replaced by G.
Protein change: p.Ser419=; no amino-acid change (serine 419 retained).
Molecular consequence: synonymous variant. On other transcripts: non-coding transcript variant (2).
Genome position (GRCh38, 1-based): chr6:169,237,668, G>C on the plus strand (C>G on the coding strand, the complement: THBS2 is on the minus strand). VCF-style: chr6-169237668-G-C. GRCh37 (hg19) VCF-style: chr6-169637763-G-C.
Other names: c.1257C>G, p.Ser419= (NM_001381939.1, NM_001381940.1); c.1026C>G, p.Ser342= (NM_001381942.1).
Identifiers: ClinVar variation 3058979 (VCV003058979.2), dbSNP rs9766671, ClinGen allele CA4103362.